The following is an entry in ClinVar:

NM_177438.3(DICER1):c.2532G>C (p.Glu844Asp)

Gene: DICER1 (dicer 1, ribonuclease III; minus strand). Cytogenetic location: 14q32.13.
Variant type: single nucleotide variant.
Coding change: c.2532G>C on transcript NM_177438.3 (MANE Select); coding-DNA position 2532, G replaced by C.
Protein change: p.Glu844Asp; replaces glutamic acid 844 with aspartic acid.
Molecular consequence: missense variant. On other transcripts: non-coding transcript variant (6).
Genome position (GRCh38, 1-based): chr14:95,107,998, C>G on the plus strand (G>C on the coding strand, the complement: DICER1 is on the minus strand). VCF-style: chr14-95107998-C-G. GRCh37 (hg19) VCF-style: chr14-95574335-C-G.
Other names: c.2532G>C, p.Glu844Asp (NM_001195573.1, NM_001271282.3, NM_001291628.2 and 13 more transcripts); c.2250G>C, p.Glu750Asp (NM_001395686.1); c.2127G>C, p.Glu709Asp (NM_001395687.1, NM_001395688.1, NM_001395689.1 and 2 more transcripts); c.1965G>C, p.Glu655Asp (NM_001395691.1); c.849G>C, p.Glu283Asp (NM_001395697.1); short protein forms E709D, E283D, E655D, E750D, E844D.
Identifiers: ClinVar variation 2119440 (VCV002119440.5), dbSNP rs2542841264, ClinGen allele CA390881823.

ClinVar aggregate classification (germline): Uncertain significance. Review status: criteria provided, multiple submitters, no conflicts (2 of 4 stars). 2 submissions from 2 submitters: Uncertain significance (2). Last evaluated 2026-04-04.

Conditions:
Hereditary cancer-predisposing syndrome. Also called: Tumor predisposition; Hereditary Cancer Syndrome; Hereditary neoplastic syndrome; Neoplastic Syndromes, Hereditary. Identifiers: Orphanet 140162, MedGen C0027672, MeSH D009386, MONDO:0015356.
DICER1-related tumor predisposition. Also called: DICER1-related pleuropulmonary blastoma cancer predisposition syndrome; DICER1 syndrome. Identifiers: Orphanet 284343, MedGen C3839822, MONDO:0100216.

Submissions (2):

Ambry Genetics
Classification: Uncertain significance for Hereditary cancer-predisposing syndrome. Last evaluated: 2026-04-04. Review status: criteria provided, single submitter. Criteria: Ambry Variant Classification Scheme 2023. Collection method: clinical testing. Allele origin: germline.
Comment: The p.E844D variant (also known as c.2532G>C), located in coding exon 15 of the DICER1 gene, results from a G to C substitution at nucleotide position 2532. The glutamic acid at codon 844 is replaced by aspartic acid, an amino acid with highly similar properties. This amino acid position is conserved. In addition, this alteration is predicted to be tolerated by in silico analysis. Based on the available evidence, the clinical significance of this variant remains unclear.

Labcorp Genetics (formerly Invitae), Labcorp
Classification: Uncertain significance for DICER1-related tumor predisposition. Last evaluated: 2022-03-29. Review status: criteria provided, single submitter. Criteria: Invitae Variant Classification Sherloc (09022015). Collection method: clinical testing. Allele origin: germline.
Comment: In summary, the available evidence is currently insufficient to determine the role of this variant in disease. Therefore, it has been classified as a Variant of Uncertain Significance. Algorithms developed to predict the effect of missense changes on protein structure and function (SIFT, PolyPhen-2, Align-GVGD) all suggest that this variant is likely to be tolerated. This variant has not been reported in the literature in individuals affected with DICER1-related conditions. This variant is not present in population databases (gnomAD no frequency). This sequence change replaces glutamic acid, which is acidic and polar, with aspartic acid, which is acidic and polar, at codon 844 of the DICER1 protein (p.Glu844Asp).